The following is an entry in ClinVar:

ClinVar aggregate classification (germline): Uncertain significance. Review status: criteria provided, multiple submitters, no conflicts (2 of 4 stars). 2 submissions from 2 submitters: Uncertain significance (2). Last evaluated 2025-03-31.

Conditions:
Duchenne muscular dystrophy (DMD). Also called: MUSCULAR DYSTROPHY, PSEUDOHYPERTROPHIC PROGRESSIVE, DUCHENNE TYPE; Duchenne Muscular Dystrophy (DMD). Identifiers: Orphanet 98896, MedGen C0013264, MONDO:0010679, OMIM 310200.
Cardiovascular phenotype. Identifiers: MedGen CN230736.

Allele frequency attached by ClinVar (database versions not stated): gnomAD exomes 0.00001; TOPMed below 0.00001; ExAC 0.00001; gnomAD 0.00001.
gnomAD v4.1: 12 of 1,210,484 alleles (0.00099%); highest among the groups gnomAD compares: African/African-American, 0.007%; no homozygotes.

Submissions (2):

Labcorp Genetics (formerly Invitae), Labcorp
Classification: Uncertain significance for Duchenne muscular dystrophy. Last evaluated: 2025-03-31. Review status: criteria provided, single submitter. Criteria: Invitae Variant Classification Sherloc (09022015). Collection method: clinical testing. Allele origin: germline.
Comment: This sequence change replaces arginine, which is basic and polar, with glutamine, which is neutral and polar, at codon 2830 of the DMD protein (p.Arg2830Gln). This variant is present in population databases (rs757219404, gnomAD 0.001%). This variant has not been reported in the literature in individuals affected with DMD-related conditions. ClinVar contains an entry for this variant (Variation ID: 1763558). Invitae Evidence Modeling of protein sequence and biophysical properties (such as structural, functional, and spatial information, amino acid conservation, physicochemical variation, residue mobility, and thermodynamic stability) indicates that this missense variant is not expected to disrupt DMD protein function with a negative predictive value of 95%. In summary, the available evidence is currently insufficient to determine the role of this variant in disease. Therefore, it has been classified as a Variant of Uncertain Significance.

Ambry Genetics
Classification: Uncertain significance for Cardiovascular phenotype. Last evaluated: 2021-07-27. Review status: criteria provided, single submitter. Criteria: Ambry Variant Classification Scheme 2023. Collection method: clinical testing. Allele origin: germline.
Comment: The p.R2830Q variant (also known as c.8489G>A), located in coding exon 57 of the DMD gene, results from a G to A substitution at nucleotide position 8489. The arginine at codon 2830 is replaced by glutamine, an amino acid with highly similar properties. Based on data from gnomAD, the A allele has an overall frequency of 0.0005% (1/182881) total alleles studied, with no hemizygote(s) observed. The highest observed frequency was 0.001% (1/81680) of European (non-Finnish) alleles. This amino acid position is not well conserved in available vertebrate species, and glutamine is the reference amino acid in other vertebrate species. In addition, this alteration is predicted to be tolerated by in silico analysis. Since supporting evidence is limited at this time, the clinical significance of this alteration remains unclear.

NM_004006.3(DMD):c.8489G>A (p.Arg2830Gln)

Gene: DMD (dystrophin; minus strand). Cytogenetic location: Xp21.2.
Variant type: single nucleotide variant.
Coding change: c.8489G>A on transcript NM_004006.3 (MANE Select); coding-DNA position 8489, G replaced by A.
Protein change: p.Arg2830Gln; replaces arginine 2830 with glutamine.
Molecular consequence: missense variant.
Genome position (GRCh38, 1-based): chrX:31,496,846, C>T on the plus strand (G>A on the coding strand, the complement: DMD is on the minus strand). VCF-style: chrX-31496846-C-T. GRCh37 (hg19) VCF-style: chrX-31514963-C-T.
Other names: c.8465G>A, p.Arg2822Gln (NM_000109.4); c.8477G>A, p.Arg2826Gln (NM_004009.3); c.8120G>A, p.Arg2707Gln (NM_004010.3); c.4466G>A, p.Arg1489Gln (NM_004011.4); c.4457G>A, p.Arg1486Gln (NM_004012.4); c.1109G>A, p.Arg370Gln (NM_004013.3, NM_004020.4, NM_004021.3 and 2 more transcripts); c.302G>A, p.Arg101Gln (NM_004014.3); short protein forms R1486Q, R2826Q, R2830Q, R1489Q, R2822Q, R370Q, R2707Q, R101Q.
Identifiers: ClinVar variation 1763558 (VCV001763558.5), dbSNP rs757219404, ClinGen allele CA10378062.